The following is an entry in ClinVar:

ClinVar aggregate classification (germline): Pathogenic (1 of 4 stars; one submission).

Conditions:
Pontocerebellar hypoplasia type 1A (PCH1A). Also called: PONTOCEREBELLAR HYPOPLASIA WITH ANTERIOR HORN CELL DISEASE; PONTOCEREBELLAR HYPOPLASIA WITH INFANTILE SPINAL MUSCULAR ATROPHY. Identifiers: Orphanet 2254, Orphanet 88616, MedGen C1843504, MONDO:0011866, OMIM 607596.

Submission:

Labcorp Genetics (formerly Invitae), Labcorp
Classification: Pathogenic for Pontocerebellar hypoplasia type 1A. Last evaluated: 2023-01-01. Review status: criteria provided, single submitter. Criteria: Invitae Variant Classification Sherloc (09022015). Collection method: clinical testing. Allele origin: germline.
Comment: For these reasons, this variant has been classified as Pathogenic. This variant has not been reported in the literature in individuals affected with VRK1-related conditions. This variant is not present in population databases (gnomAD no frequency). This sequence change creates a premature translational stop signal (p.Pro260Leufs*6) in the VRK1 gene. It is expected to result in an absent or disrupted protein product. Loss-of-function variants in VRK1 are known to be pathogenic (PMID: 19646678, 24126608, 27281532).

Literature cited by the submitters: PubMed 19646678; PubMed 24126608; PubMed 27281532.

NM_003384.3(VRK1):c.779del (p.Pro260fs)

Gene: VRK1 (VRK serine/threonine kinase 1; plus strand). Cytogenetic location: 14q32.2.
Variant type: Deletion.
Coding change: c.779del on transcript NM_003384.3 (MANE Select); coding-DNA position 779, one base deleted (C; older notation c.779delC).
Protein change: p.Pro260fs; shifts the reading frame from proline 260.
Molecular consequence: frameshift variant.
Genome position (GRCh38, 1-based): chr14:96,856,199, C deleted; the last of 2 consecutive C bases (chr14:96,856,198-96,856,199); deleting either gives the same sequence. VCF-style (leftmost placement, unchanged base first): chr14-96856197-TC-T. GRCh37 (hg19) VCF-style: chr14-97322534-TC-T.
Other names: c.779del, p.Pro260fs (NM_001411051.1, NM_001411053.1); short protein forms P260fs.
Identifiers: ClinVar variation 2825704 (VCV002825704.3), dbSNP rs2504194635, ClinGen allele CA2626419320.